The following is an entry in ClinVar:

ClinVar aggregate classification (germline): Likely benign (0 of 4 stars; one submission).

Conditions:
WDPCP-related disorder. Also called: WDPCP-related condition.

Allele frequency attached by ClinVar (database versions not stated): gnomAD 0.00002; TOPMed 0.00003.

Submission:

PreventionGenetics, part of Exact Sciences
Classification: Likely benign for WDPCP-related condition. Last evaluated: 2022-01-29. Review status: no assertion criteria provided. Collection method: clinical testing. Allele origin: germline.
Comment: This variant is classified as likely benign based on ACMG/AMP sequence variant interpretation guidelines (Richards et al. 2015 PMID: 25741868, with internal and published modifications).

NM_015910.7(WDPCP):c.1748+18358G>A

Gene: WDPCP (WD repeat containing planar cell polarity effector; minus strand). Cytogenetic location: 2p15.
Variant type: single nucleotide variant.
Coding change: c.1748+18358G>A on transcript NM_015910.7 (MANE Select); 18358 bases into the intron after coding-DNA position 1748, G replaced by A.
Molecular consequence: intron variant. On other transcripts: synonymous variant (1).
Genome position (GRCh38, 1-based): chr2:63,360,028, C>T on the plus strand (G>A on the coding strand, the complement: WDPCP is on the minus strand). VCF-style: chr2-63360028-C-T. GRCh37 (hg19) VCF-style: chr2-63587163-C-T.
Other names: c.1797G>A, p.Ala599= (NM_001354045.2); c.1676+18358G>A (NM_001354044.2); c.1271+18358G>A (NM_001042692.3).
Identifiers: ClinVar variation 3053595 (VCV003053595.2), dbSNP rs990445333, ClinGen allele CA49229130.